The following is an entry in ClinVar:

NM_001018077.1(NR3C1):c.-445A>G

Gene: NR3C1 (nuclear receptor subfamily 3 group C member 1; minus strand). Cytogenetic location: 5q31.3.
Variant type: single nucleotide variant.
Coding change: c.-445A>G on transcript NM_001018077.1; 445 bases upstream of the start codon, A replaced by G.
Molecular consequence: 5 prime UTR variant. On other transcripts: intron variant (2).
Genome position (GRCh38, 1-based): chr5:143,434,963, T>C on the plus strand (A>G on the coding strand, the complement: NR3C1 is on the minus strand). VCF-style: chr5-143434963-T-C. GRCh37 (hg19) VCF-style: chr5-142814528-T-C.
Other names: c.-14+338A>G (NM_001018075.1); c.-14+241A>G (NM_001018074.1).
Identifiers: ClinVar variation 905075 (VCV000905075.6), dbSNP rs527246890, ClinGen allele CA129268571.
Genomic context (GRCh38, chr5:143,434,963, plus strand): 5'-GAATTTCAGAAGTGAAGAAAATTTCAGATCAGAAGATCCTGTCTCTCGGGTATAACTTTT[T>C]TTTTTTTGGAGAGAAATACAGTGACTCTCCTAATTATGGTGAATTTCCTAGTTCAGCTCA-3'

ClinVar aggregate classification (germline): Likely benign (1 of 4 stars; one submission).

Conditions:
Glucocorticoid resistance. Also called: Glucocorticoid resistance, generalized; Gccr deficiency; Glucocorticoid receptor deficiency; Cortisol resistance from glucocorticoid receptor defect; Gcr deficiency. Identifiers: Orphanet 786, MedGen C1841972, MONDO:0014421, OMIM 615962.

Allele frequency attached by ClinVar (database versions not stated): gnomAD exomes 0.00002; gnomAD 0.00005 and 0.00001; 1000 Genomes Project 0.00060; 1000 Genomes Project 30x 0.00062; TOPMed below 0.00001.
gnomAD v4.1: 29 of 985,394 alleles (0.0029%); highest among the groups gnomAD compares: South Asian, 0.099%; no homozygotes.

Submission:

Illumina Laboratory Services, Illumina
Classification: Likely benign for Glucocorticoid resistance. Last evaluated: 2018-01-13. Review status: criteria provided, single submitter. Criteria: ICSL Variant Classification Criteria 13 December 2019. Collection method: clinical testing. Allele origin: germline.
Comment: This variant was observed in the ICSL laboratory as part of a predisposition screen in an ostensibly healthy population. It had not been previously curated by ICSL or reported in the Human Gene Mutation Database (HGMD: prior to June 1st, 2018), and was therefore a candidate for classification through an automated scoring system. Utilizing variant allele frequency, disease prevalence and penetrance estimates, and inheritance mode, an automated score was calculated to assess if this variant is too frequent to cause the disease. Based on the score and internal cut-off values, a variant classified as likely benign is not then subjected to further curation. The score for this variant resulted in a classification of likely benign for this disease.